The following is an entry in ClinVar:

NM_001278116.2(L1CAM):c.3275_3278del (p.Lys1092fs)

Gene: L1CAM (L1 cell adhesion molecule; minus strand). Cytogenetic location: Xq28.
Variant type: Deletion.
Coding change: c.3275_3278del on transcript NM_001278116.2 (MANE Select); coding-DNA positions 3275 to 3278, 4 bases deleted (AGGA; older notation c.3275_3278delAGGA).
Protein change: p.Lys1092fs; shifts the reading frame from lysine 1092.
Molecular consequence: frameshift variant.
Genome position (GRCh38, 1-based): chrX:153,864,366-153,864,369, TCCT deleted on the plus strand (AGGA on the coding strand, the reverse complement: L1CAM is on the minus strand); deleting any 4 consecutive bases within chrX:153,864,366-153,864,370 gives the same sequence; the c. name uses the placement nearest the transcript's 3' end. VCF-style (leftmost placement, unchanged base first): chrX-153864365-CTCCT-C. GRCh37 (hg19) VCF-style: chrX-153129820-CTCCT-C.
Other names: c.3275_3278del, p.Lys1092fs (NM_000425.5, NM_024003.3); c.3260_3263del, p.Lys1087fs (NM_001143963.2); short protein forms K1087fs, K1092fs.
Identifiers: ClinVar variation 5019757 (VCV005019757.1).
Genomic context (GRCh38, chrX:153,864,365, plus strand): 5'-GGCCCCCGGCGCCTCACCTGTGCCATTGGTCTTCACAGCCATTTGGTGCCGGAACATCCT[CTCCT>C]TAAACAAGTGGATCTCGTAGTCAGTGTCAGGCTGCAGGTCCCACTGCGTGTAGGAGCTCT-3'

ClinVar aggregate classification (germline): Likely pathogenic (1 of 4 stars; one submission).

Conditions:
X-linked complicated corpus callosum dysgenesis. Also called: X-Linked Complicated Corpus Callosum Agenesis. Identifiers: Orphanet 1497, MedGen C1839909, MONDO:0010569, OMIM 304100.
X-linked hydrocephalus syndrome (HYCX). Also called: X-Linked Hydrocephalus with Stenosis of the Aqueduct of Sylvius (HSAS); AQUEDUCTAL STENOSIS, X-LINKED; X-Linked Hydrocephalus with Stenosis of the Aqueduct of Sylvius; X-linked hydrocephalus; HYDROCEPHALUS, CONGENITAL, X-LINKED. Identifiers: Orphanet 2182, MedGen C0265216, MONDO:0010611, OMIM 307000.
MASA syndrome. Also called: MASA (Mental Retardation, Adducted Thumbs, Shuffling Gait, Aphasia) Syndrome, Including SPG1 (X-Linked Complicated Hereditary Spastic Paraplegia Type 1); ADDUCTED THUMB WITH MENTAL RETARDATION; CRASH syndrome; CLASPED THUMB AND MENTAL RETARDATION; SPASTIC PARAPLEGIA 1, X-LINKED; MASA Syndrome (Mental Retardation, Adducted Thumbs, Shuffling Gait, and Aphasia). Identifiers: Orphanet 2466, MedGen C0795953, MONDO:0010559, OMIM 303350.

Submission:

Juno Genomics, Hangzhou Juno Genomics, Inc
Classification: Likely pathogenic for X-linked complicated corpus callosum dysgenesis; X-linked hydrocephalus syndrome; MASA syndrome. Review status: criteria provided, single submitter. Criteria: ACMG Guidelines, 2015. Collection method: clinical testing. Allele origin: germline. Affected: yes.
Comment: Absent from controls (or at extremely low frequency if recessive) in Genome Aggregation Database.;Null variant in a gene where loss of function (LOF) is a known mechanism of disease.